The following is an entry in ClinVar:

ClinVar aggregate classification (germline): Uncertain significance (1 of 4 stars; one submission).

Conditions:
Ataxia-telangiectasia syndrome (AT). Also called: AT, COMPLEMENTATION GROUP C; Ataxia telangiectasia (A-T); ATAXIA-TELANGIECTASIA, COMPLEMENTATION GROUP A; ATAXIA-TELANGIECTASIA, FRESNO VARIANT; Ataxia-telangiectasia, complementation group D; Ataxia-telangiectasia, complementation group E. Identifiers: Orphanet 100, MedGen C0004135, MONDO:0008840, OMIM 208900.

Submission:

Labcorp Genetics (formerly Invitae), Labcorp
Classification: Uncertain significance for Ataxia-telangiectasia syndrome. Last evaluated: 2023-05-15. Review status: criteria provided, single submitter. Criteria: Invitae Variant Classification Sherloc (09022015). Collection method: clinical testing. Allele origin: germline.
Comment: This variant has not been reported in the literature in individuals affected with ATM-related conditions. This variant is not present in population databases (gnomAD no frequency). This sequence change replaces asparagine, which is neutral and polar, with histidine, which is basic and polar, at codon 1660 of the ATM protein (p.Asn1660His). An algorithm developed to predict the effect of missense changes on protein structure and function (PolyPhen-2) suggests that this variant is likely to be tolerated. In summary, the available evidence is currently insufficient to determine the role of this variant in disease. Therefore, it has been classified as a Variant of Uncertain Significance.

NM_000051.4(ATM):c.4978A>C (p.Asn1660His)

Gene: ATM (ATM serine/threonine kinase; plus strand). Cytogenetic location: 11q22.3.
Variant type: single nucleotide variant.
Coding change: c.4978A>C on transcript NM_000051.4 (MANE Select); coding-DNA position 4978, A replaced by C.
Protein change: p.Asn1660His; replaces asparagine 1660 with histidine.
Molecular consequence: missense variant.
Genome position (GRCh38, 1-based): chr11:108,297,355, A>C. VCF-style: chr11-108297355-A-C. GRCh37 (hg19) VCF-style: chr11-108168082-A-C.
Other names: c.4978A>C, p.Asn1660His (NM_001351834.2); short protein forms N1660H.
Identifiers: ClinVar variation 2863365 (VCV002863365.3), dbSNP rs2546955095, ClinGen allele CA382538445.